The following is an entry in ClinVar:

NM_001083962.2(TCF4):c.305-18943A>G

Genes: TCF4 (transcription factor 4; minus strand), LOC110120867 (VISTA enhancer hs376; plus strand). Cytogenetic location: 18q21.2.
Variant type: single nucleotide variant.
Coding change: c.305-18943A>G on transcript NM_001083962.2 (MANE Select); 18943 bases into the intron before coding-DNA position 305, A replaced by G.
Molecular consequence: intron variant.
Genome position (GRCh38, 1-based): chr18:55,422,461, T>C on the plus strand (A>G on the coding strand, the complement: TCF4 is on the minus strand). VCF-style: chr18-55422461-T-C. GRCh37 (hg19) VCF-style: chr18-53089692-T-C.
Other names: c.233-18943A>G (NM_001243227.2, NM_001369586.1, NM_001369585.1 and 15 more transcripts); c.305-18943A>G (NM_001369571.1, NM_001369567.1, NM_001243228.2 and 8 more transcripts); c.299-18943A>G (NM_001243230.2); c.179-18943A>G (NM_001243231.2, NM_001348211.2); c.611-18943A>G (NM_001243226.3).
Identifiers: ClinVar variation 2648737 (VCV002648737.22), dbSNP rs189100907, ClinGen allele CA301149204.
Genomic context (GRCh38, chr18:55,422,461, plus strand): 5'-AGGTGGAGGGTTTGGGGGGTTTTTTTTAATATTAAAAAAAAAGTTTGCCAGAAATTCTCA[T>C]ACTTGGGTCACAAATAAAAGTACTTTCCTATTATTAAAAAAAAGAGAATCTAGTTCTTAG-3'

ClinVar aggregate classification (germline): Benign (1 of 4 stars; one submission).

Allele frequency attached by ClinVar (database versions not stated): gnomAD 0.00036; TOPMed 0.00058; 1000 Genomes Project 30x 0.00078; 1000 Genomes Project 0.00080.
gnomAD v4.1: 96 of 983,764 alleles (0.0098%); highest among the groups gnomAD compares: Admixed American, 0.29%; no homozygotes.

Submission:

CeGaT Center for Human Genetics Tuebingen
Classification: Benign. Last evaluated: 2022-03-01. Review status: criteria provided, single submitter. Criteria: CeGaT Center For Human Genetics Tuebingen Variant Classification Criteria Version 2. Collection method: clinical testing. Allele origin: germline. Affected: yes. Observed: 1 variant allele.
Comment: TCF4: BS1, BS2